The following is an entry in ClinVar:

ClinVar aggregate classification (germline): Uncertain significance (1 of 4 stars; one submission).

Conditions:
Brugada syndrome. Also called: Sudden Unexplained Death Syndrome; Sudden Unexplained Nocturnal Death Syndrome (SUNDS); Sudden unexpected nocturnal death syndrome; Sudden unexplained nocturnal death syndrome. Identifiers: Orphanet 130, MedGen C1142166, MONDO:0015263.

Submission:

Labcorp Genetics (formerly Invitae), Labcorp
Classification: Uncertain significance for Brugada syndrome. Last evaluated: 2022-03-09. Review status: criteria provided, single submitter. Criteria: Invitae Variant Classification Sherloc (09022015). Collection method: clinical testing. Allele origin: germline.
Comment: This variant is not present in population databases (gnomAD no frequency). In summary, the available evidence is currently insufficient to determine the role of this variant in disease. Therefore, it has been classified as a Variant of Uncertain Significance. Experimental studies and prediction algorithms are not available or were not evaluated, and the functional significance of this variant is currently unknown. This variant has not been reported in the literature in individuals affected with KCNJ8-related conditions. This variant, c.1179_1196dup, results in the insertion of 6 amino acid(s) of the KCNJ8 protein (p.Ile398_Ser403dup), but otherwise preserves the integrity of the reading frame.

NM_004982.4(KCNJ8):c.1179_1196dup (p.Ile398_Ser403dup)

Genes: KCNJ8 (potassium inwardly rectifying channel subfamily J member 8; minus strand), KCNJ8-AS1 (KCNJ8 antisense RNA 1; plus strand). Cytogenetic location: 12p12.1.
Variant type: Duplication.
Coding change: c.1179_1196dup on transcript NM_004982.4 (MANE Select); coding-DNA positions 1179 to 1196, 18 bases duplicated (GAGGAACAATTCTATCCG).
Protein change: p.Ile398_Ser403dup.
Molecular consequence: inframe insertion.
Genome position (GRCh38, 1-based): chr12:21,765,802-21,765,819, CGGATAGAATTGTTCCTC duplicated on the plus strand (GAGGAACAATTCTATCCG on the coding strand, the reverse complement: KCNJ8 is on the minus strand); duplicating any 18 consecutive bases within chr12:21,765,802-21,765,820 gives the same sequence; the c. name uses the placement nearest the transcript's 3' end. VCF-style (leftmost placement, unchanged base first): chr12-21765801-T-TCGGATAGAATTGTTCCTC. GRCh37 (hg19) VCF-style: chr12-21918735-T-TCGGATAGAATTGTTCCTC.
Identifiers: ClinVar variation 1421001 (VCV001421001.8), dbSNP rs2137047060, ClinGen allele CA2573148487.